The following is an entry in ClinVar:

NM_000350.3(ABCA4):c.6609C>A (p.Tyr2203Ter)

Gene: ABCA4 (ATP binding cassette subfamily A member 4; minus strand). Cytogenetic location: 1p22.1.
Variant type: single nucleotide variant.
Coding change: c.6609C>A on transcript NM_000350.3 (MANE Select); coding-DNA position 6609, C replaced by A.
Protein change: p.Tyr2203Ter; replaces tyrosine 2203 with a stop codon.
Molecular consequence: nonsense.
Genome position (GRCh38, 1-based): chr1:93,997,981, G>T on the plus strand (C>A on the coding strand, the complement: ABCA4 is on the minus strand). VCF-style: chr1-93997981-G-T. GRCh37 (hg19) VCF-style: chr1-94463537-G-T.
Other names: c.6387C>A, p.Tyr2129Ter (NM_001425324.1); short protein forms Y2203*, Y2129*.
Identifiers: ClinVar variation 99473 (VCV000099473.7), dbSNP rs61753045, ClinGen allele CA227422.

ClinVar aggregate classification (germline): Pathogenic. Review status: criteria provided, multiple submitters, no conflicts (2 of 4 stars). 5 submissions from 4 submitters: Pathogenic (4). 1 of the submissions does not count toward it. Last evaluated 2023-10-01.

Conditions:
Retinal dystrophy. Also called: Inherited retinal dystrophy. Identifiers: Orphanet 71862, MedGen C0854723, MeSH D058499, MONDO:0019118, HP:0000556.
Severe early-childhood-onset retinal dystrophy (STGD1). Also called: MACULAR DYSTROPHY WITH FLECKS, TYPE 1; STGD; Stargardt disease 1; Stargardt macular dystrophy; Juvenile onset macular degeneration. Identifiers: Orphanet 364055, Orphanet 827, MedGen C1855465, MeSH D000080362, MONDO:0009549, OMIM 248200.

Allele frequency attached by ClinVar (database versions not stated): gnomAD exomes below 0.00001.
gnomAD v4.1: 2 of 1,614,168 alleles (0.00012%); highest among the groups gnomAD compares: Non-Finnish European, 0.00017%; no homozygotes.

Submissions (5):

Dept Of Ophthalmology, Nagoya University
Classification: Pathogenic for Retinal dystrophy. Last evaluated: 2023-10-01. Review status: criteria provided, single submitter. Criteria: Submitter's publication. Collection method: research. Allele origin: germline. Affected: yes.

Labcorp Genetics (formerly Invitae), Labcorp
Classification: Pathogenic. Last evaluated: 2023-05-08. Review status: criteria provided, single submitter. Criteria: Invitae Variant Classification Sherloc (09022015). Collection method: clinical testing. Allele origin: germline.
Comment: This variant is not present in population databases (gnomAD no frequency). For these reasons, this variant has been classified as Pathogenic. ClinVar contains an entry for this variant (Variation ID: 99473). This premature translational stop signal has been observed in individual(s) with Stargardt disease (PMID: 10958763). This sequence change creates a premature translational stop signal (p.Tyr2203*) in the ABCA4 gene. It is expected to result in an absent or disrupted protein product. Loss-of-function variants in ABCA4 are known to be pathogenic (PMID: 10958761, 24938718, 25312043, 26780318).

Institute of Human Genetics, Univ. Regensburg, Univ. Regensburg
Classification: Pathogenic for Retinal dystrophy. Last evaluated: 2020-01-01. Review status: criteria provided, single submitter. Criteria: ACMG Guidelines, 2015. Collection method: clinical testing. Allele origin: germline. Affected: yes.

Institute of Human Genetics, Univ. Regensburg, Univ. Regensburg
Classification: Pathogenic for Severe early-childhood-onset retinal dystrophy. Last evaluated: 2016-01-01. Review status: criteria provided, single submitter. Criteria: Schulz et al. (Invest Ophthalmol Vis Sci. 2017). Collection method: clinical testing. Allele origin: germline. Affected: yes. Observed: 1 heterozygote.

Retina International
No classification provided. Review status: no classification provided. Collection method: not provided. Allele origin: not provided. Not counted in ClinVar's aggregate classification.

Literature cited by the submitters: PubMed 10958763 (cited by Labcorp Genetics (formerly Invitae), Labcorp and Institute of Human Genetics, Univ. Regensburg, Univ. Regensburg); PubMed 10958761 (cited by Labcorp Genetics (formerly Invitae), Labcorp); PubMed 24938718 (cited by Labcorp Genetics (formerly Invitae), Labcorp); PubMed 25312043 (cited by Labcorp Genetics (formerly Invitae), Labcorp); PubMed 26780318 (cited by Labcorp Genetics (formerly Invitae), Labcorp); PubMed 2552515 (cited by Institute of Human Genetics, Univ. Regensburg, Univ. Regensburg); PubMed 25525159 (cited by Institute of Human Genetics, Univ. Regensburg, Univ. Regensburg).